The following is an entry in ClinVar:

ClinVar aggregate classification (germline): Uncertain significance (1 of 4 stars; one submission).

Conditions:
Congenital contractural arachnodactyly (CCA). Also called: BEALS SYNDROME; Beals-Hecht syndrome; Arthrogryposis, distal, type 9. Identifiers: Orphanet 115, MedGen C0220668, MONDO:0007363, OMIM 121050.

Allele frequency attached by ClinVar (database versions not stated): gnomAD exomes below 0.00001; ExAC 0.00001; gnomAD 0.00001; 1000 Genomes Project 30x 0.00016; 1000 Genomes Project 0.00020.
gnomAD v4.1: 2 of 1,614,224 alleles (0.00012%); highest among the groups gnomAD compares: South Asian, 0.0022%; no homozygotes.

Submission:

Neuberg Centre For Genomic Medicine, NCGM
Classification: Uncertain significance for Congenital contractural arachnodactyly. Review status: criteria provided, single submitter. Criteria: ACMG Guidelines, 2015. Collection method: clinical testing. Allele origin: germline. Inheritance: Autosomal dominant inheritance. Affected: yes.
Comment: The missense variant in c.3814T>A (p.Tyr1272Asn) in FBN2 gene has not been reported previously as a pathogenic variant nor as a benign variant, to our knowledge. The p.Tyr1272Asn variant is novel (not in any individuals) in gnomAD Exomes and 1000 Genomes. The amino acid Tyr at position 1272 is changed to a Asn changing protein sequence and it might alter its composition and physico-chemical properties. The variant is predicted to be damaging by both SIFT and PolyPhen2. The residue is conserved across species. The amino acid change p.Tyr1272Asn in FBN2 is predicted as conserved by GERP++ and PhyloP across 100 vertebrates. For these reasons, this variant has been classified as Uncertain Significance.

NM_001999.4(FBN2):c.3814T>A (p.Tyr1272Asn)

Gene: FBN2 (fibrillin 2; minus strand). Cytogenetic location: 5q23.3.
Variant type: single nucleotide variant.
Coding change: c.3814T>A on transcript NM_001999.4 (MANE Select); coding-DNA position 3814, T replaced by A.
Protein change: p.Tyr1272Asn; replaces tyrosine 1272 with asparagine.
Molecular consequence: missense variant.
Genome position (GRCh38, 1-based): chr5:128,335,488, A>T on the plus strand (T>A on the coding strand, the complement: FBN2 is on the minus strand). VCF-style: chr5-128335488-A-T. GRCh37 (hg19) VCF-style: chr5-127671180-A-T.
Other names: short protein forms Y1272N.
Identifiers: ClinVar variation 2584901 (VCV002584901.1), dbSNP rs547557856, ClinGen allele CA3395136.